The following is an entry in ClinVar:

ClinVar aggregate classification (germline): Pathogenic (1 of 4 stars; one submission).

Submission:

Labcorp Genetics (formerly Invitae), Labcorp
Classification: Pathogenic. Last evaluated: 2024-10-15. Review status: criteria provided, single submitter. Criteria: Invitae Variant Classification Sherloc (09022015). Collection method: clinical testing. Allele origin: germline.
Comment: This sequence change creates a premature translational stop signal (p.Glu177Glyfs*7) in the CHM gene. It is expected to result in an absent or disrupted protein product. Loss-of-function variants in CHM are known to be pathogenic (PMID: 9067750, 23811034). This variant is not present in population databases (gnomAD no frequency). This variant has not been reported in the literature in individuals affected with CHM-related conditions. ClinVar contains an entry for this variant (Variation ID: 2077088). For these reasons, this variant has been classified as Pathogenic.

Literature cited by the submitters: PubMed 9067750; PubMed 23811034.

NM_000390.4(CHM):c.529dup (p.Glu177fs)

Gene: CHM (CHM Rab escort protein; minus strand). Cytogenetic location: Xq21.2.
Variant type: Duplication.
Coding change: c.529dup on transcript NM_000390.4 (MANE Select); coding-DNA position 529, one base duplicated (G; older notation c.529dupG).
Protein change: p.Glu177fs; shifts the reading frame from glutamic acid 177.
Molecular consequence: frameshift variant.
Genome position (GRCh38, 1-based): chrX:85,963,838, C duplicated on the plus strand (G on the coding strand, the reverse complement: CHM is on the minus strand); the first of 4 consecutive C bases (chrX:85,963,838-85,963,841); duplicating any one gives the same sequence. VCF-style (leftmost placement, unchanged base first): chrX-85963837-T-TC. GRCh37 (hg19) VCF-style: chrX-85218842-T-TC.
Other names: c.85dup, p.Glu29fs (NM_001320959.1, NM_001362517.1, NM_001362518.2 and 1 more transcripts); short protein forms E29fs, E177fs.
Identifiers: ClinVar variation 2077088 (VCV002077088.4), dbSNP rs2520272747, ClinGen allele CA2580102027.
Genomic context (GRCh38, chrX:85,963,837, plus strand): 5'-CTCATGTCTTCTGCTGAAGTTGATGGCACACAAGTTTTATCATCACAATGGTTTTCTTTT[T>TC]CCCCTGTCACTTCAGCACCATTTACTTCTAGCGCATTCTCTGGATCGCTGCTTGGAGTTT-3'